The following is an entry in ClinVar:

NM_000539.3(RHO):c.194A>G (p.His65Arg)

Gene: RHO (rhodopsin; plus strand). Cytogenetic location: 3q22.1.
Variant type: single nucleotide variant.
Coding change: c.194A>G on transcript NM_000539.3 (MANE Select); coding-DNA position 194, A replaced by G.
Protein change: p.His65Arg; replaces histidine 65 with arginine.
Molecular consequence: missense variant.
Genome position (GRCh38, 1-based): chr3:129,528,927, A>G. VCF-style: chr3-129528927-A-G. GRCh37 (hg19) VCF-style: chr3-129247770-A-G.
Other names: short protein forms H65R.
Identifiers: ClinVar variation 1383865 (VCV001383865.6), dbSNP rs2084757607, ClinGen allele CA354496164.
Genomic context (GRCh38, chr3:129,528,927, plus strand): 5'-TTCTGCTGATCGTGCTGGGCTTCCCCATCAACTTCCTCACGCTCTACGTCACCGTCCAGC[A>G]CAAGAAGCTGCGCACGCCTCTCAACTACATCCTGCTCAACCTAGCCGTGGCTGACCTCTT-3'
Protein context (NP_000530.1, residues 55-75): NFLTLYVTVQ[His65Arg]KKLRTPLNYI

ClinVar aggregate classification (germline): Uncertain significance (1 of 4 stars; one submission).

Submission:

Labcorp Genetics (formerly Invitae), Labcorp
Classification: Uncertain significance. Last evaluated: 2021-07-27. Review status: criteria provided, single submitter. Criteria: Invitae Variant Classification Sherloc (09022015). Collection method: clinical testing. Allele origin: germline.
Comment: In summary, the available evidence is currently insufficient to determine the role of this variant in disease. Therefore, it has been classified as a Variant of Uncertain Significance. Advanced modeling of protein sequence and biophysical properties (such as structural, functional, and spatial information, amino acid conservation, physicochemical variation, residue mobility, and thermodynamic stability) performed at Invitae indicates that this missense variant is not expected to disrupt RHO protein function. This variant has not been reported in the literature in individuals affected with RHO-related conditions. This variant is not present in population databases (ExAC no frequency). This sequence change replaces histidine with arginine at codon 65 of the RHO protein (p.His65Arg). The histidine residue is highly conserved and there is a small physicochemical difference between histidine and arginine.